The following is an entry in ClinVar:

NM_016103.4(SAR1B):c.480+18del

Gene: SAR1B (secretion associated Ras related GTPase 1B; minus strand). Cytogenetic location: 5q31.1.
Variant type: Deletion.
Coding change: c.480+18del on transcript NM_016103.4 (MANE Select); 18 bases into the intron after coding-DNA position 480, one base deleted (A; older notation c.480+18delA).
Molecular consequence: intron variant.
Genome position (GRCh38, 1-based): chr5:134,608,354, T deleted on the plus strand (A on the coding strand, the reverse complement: SAR1B is on the minus strand); the first of 16 consecutive T bases (chr5:134,608,354-134,608,369); deleting any one gives the same sequence. VCF-style (leftmost placement, unchanged base first): chr5-134608353-AT-A. GRCh37 (hg19) VCF-style: chr5-133944043-AT-A.
Other names: c.480+18delA (NM_001033503.3); c.480+18del (NM_001033503.3).
Identifiers: ClinVar variation 1236079 (VCV001236079.6), dbSNP rs199526981, ClinGen allele CA3414433.

ClinVar aggregate classification (germline): Benign. Review status: criteria provided, multiple submitters, no conflicts (2 of 4 stars). 4 submissions from 4 submitters: Benign (4). Last evaluated 2024-11-26.

Conditions:
Chylomicron retention disease (CMRD). Also called: HYPOBETALIPOPROTEINEMIA WITH ACCUMULATION OF APOLIPOPROTEIN B-LIKE PROTEIN IN INTESTINAL CELLS; LIPID TRANSPORT DEFECT OF INTESTINE. Identifiers: Orphanet 71, MedGen C0795956, MONDO:0009528, OMIM 246700.

Submissions (4):

Blueprint Genetics
Classification: Benign. Last evaluated: 2024-11-26. Review status: criteria provided, single submitter. Criteria: ACMG Guidelines, 2015. Collection method: clinical testing. Allele origin: germline.

Molecular Genetics, Royal Melbourne Hospital
Classification: Benign for Chylomicron retention disease. Last evaluated: 2023-05-04. Review status: criteria provided, single submitter. Criteria: ACMG Guidelines, 2015. Collection method: clinical testing. Allele origin: germline. Affected: yes.
Comment: European Non-Finnish population allele frequency is 47.71% (rs758052630, 28,387/68,696alleles, 88 homozygotes in gnomAD v2.1). Based on the classification scheme RMH Modified ACMG/AMP Guidelines v1.1.0, this variant is classified as BENIGN. Following criteria are met: BA1

Fulgent Genetics
Classification: Benign for Chylomicron retention disease. Last evaluated: 2022-02-25. Review status: criteria provided, single submitter. Criteria: ACMG Guidelines, 2015. Collection method: clinical testing. Allele origin: unknown.

GeneDx
Classification: Benign. Last evaluated: 2019-08-16. Review status: criteria provided, single submitter. Criteria: GeneDx Variant Classification Process June 2021. Collection method: clinical testing. Allele origin: germline. Affected: yes.